The following is an entry in ClinVar:

ClinVar aggregate classification (germline): Likely pathogenic (1 of 4 stars; one submission).

Conditions:
Cobblestone lissencephaly without muscular or ocular involvement. Also called: LEUKOENCEPHALOPATHY WITH VARIABLE CORTICAL BRAIN MALFORMATIONS AND/OR HYDROCEPHALUS; Lissencephaly 5. Identifiers: Orphanet 352682, MedGen C3554657, MONDO:0014077, OMIM 615191.

Submission:

Juno Genomics, Hangzhou Juno Genomics, Inc
Classification: Likely pathogenic for Cobblestone lissencephaly without muscular or ocular involvement. Review status: criteria provided, single submitter. Criteria: ACMG Guidelines, 2015. Collection method: clinical testing. Allele origin: germline.
Comment: Null variant in a gene where loss of function (LOF) is a known mechanism of disease.;Absent from controls (or at extremely low frequency if recessive) in Genome Aggregation Database.

NM_002291.3(LAMB1):c.3427_3428del (p.Gln1143fs)

Gene: LAMB1 (laminin subunit beta 1; minus strand). Cytogenetic location: 7q31.1.
Variant type: Microsatellite.
Coding change: c.3427_3428del on transcript NM_002291.3 (MANE Select); coding-DNA positions 3427 to 3428, 2 bases deleted (CA; older notation c.3427_3428delCA).
Protein change: p.Gln1143fs; shifts the reading frame from glutamine 1143.
Molecular consequence: frameshift variant.
Genome position (GRCh38, 1-based): chr7:107,940,322-107,940,323, TG deleted on the plus strand (CA on the coding strand, the reverse complement: LAMB1 is on the minus strand); deleting any 2 consecutive bases within chr7:107,940,322-107,940,325 gives the same sequence; the c. name uses the placement nearest the transcript's 3' end. VCF-style (leftmost placement, unchanged base first): chr7-107940321-CTG-C. GRCh37 (hg19) VCF-style: chr7-107580766-CTG-C.
Other names: short protein forms Q1143fs.
Identifiers: ClinVar variation 5007138 (VCV005007138.2).